The following is an entry in ClinVar:

ClinVar aggregate classification (germline): Uncertain significance (1 of 4 stars; one submission).

Conditions:
Early-infantile DEE. Also called: Ohtahara syndrome; Early infantile epileptic encephalopathy with suppression bursts; Early infantile epileptic encephalopathy. Identifiers: Orphanet 1934, MedGen C0393706, MONDO:0800491.

Submission:

Labcorp Genetics (formerly Invitae), Labcorp
Classification: Uncertain significance for Early-infantile DEE. Last evaluated: 2022-03-23. Review status: criteria provided, single submitter. Criteria: Invitae Variant Classification Sherloc (09022015). Collection method: clinical testing. Allele origin: germline.
Comment: Algorithms developed to predict the effect of missense changes on protein structure and function are either unavailable or do not agree on the potential impact of this missense change (SIFT: "Deleterious"; PolyPhen-2: "Benign"; Align-GVGD: "Class C0"). ClinVar contains an entry for this variant (Variation ID: 1055895). This variant has not been reported in the literature in individuals affected with SCN8A-related conditions. This variant is not present in population databases (gnomAD no frequency). This sequence change replaces asparagine, which is neutral and polar, with aspartic acid, which is acidic and polar, at codon 640 of the SCN8A protein (p.Asn640Asp). In summary, the available evidence is currently insufficient to determine the role of this variant in disease. Therefore, it has been classified as a Variant of Uncertain Significance.

NM_001330260.2(SCN8A):c.1918A>G (p.Asn640Asp)

Gene: SCN8A (sodium voltage-gated channel alpha subunit 8; plus strand). Cytogenetic location: 12q13.13.
Variant type: single nucleotide variant.
Coding change: c.1918A>G on transcript NM_001330260.2 (MANE Select); coding-DNA position 1918, A replaced by G.
Protein change: p.Asn640Asp; replaces asparagine 640 with aspartic acid.
Molecular consequence: missense variant.
Genome position (GRCh38, 1-based): chr12:51,721,828, A>G. VCF-style: chr12-51721828-A-G. GRCh37 (hg19) VCF-style: chr12-52115612-A-G.
Other names: c.1918A>G, p.Asn640Asp (NM_001177984.3, NM_001369788.1, NM_014191.4); short protein forms N640D.
Identifiers: ClinVar variation 1055895 (VCV001055895.10), dbSNP rs2138783101, ClinGen allele CA385229856.
Genomic context (GRCh38, chr12:51,721,828, plus strand): 5'-TACAGCCAGGGCAGCCGCTCCTCGCGCATCTTCCCCAGCCTGCGGCGCAGCGTGAAGCGC[A>G]ACAGCACGGTGGACTGCAACGGCGTGGTGTCCCTCATCGGCGGCCCCGGCTCCCACATCG-3'
Protein context (NP_001317189.1, residues 630-650): FPSLRRSVKR[Asn640Asp]STVDCNGVVS